The following is an entry in ClinVar:

ClinVar aggregate classification (germline): Likely benign (1 of 4 stars; one submission).

Allele frequency attached by ClinVar (database versions not stated): gnomAD 0.00013; ExAC 0.00029; TOPMed 0.00004; gnomAD exomes 0.00010.
gnomAD v4.1: 165 of 1,609,402 alleles (0.01%); highest among the groups gnomAD compares: South Asian, 0.0089%; 1 homozygote.

Submission:

CeGaT Center for Human Genetics Tuebingen
Classification: Likely benign. Last evaluated: 2022-06-01. Review status: criteria provided, single submitter. Criteria: CeGaT Center For Human Genetics Tuebingen Variant Classification Criteria Version 2. Collection method: clinical testing. Allele origin: germline. Affected: yes. Observed: 1 variant allele.
Comment: FBXO3: BP4, BP7

NM_012175.4(FBXO3):c.1071A>G (p.Pro357=)

Gene: FBXO3 (F-box protein 3; minus strand). Cytogenetic location: 11p13.
Variant type: single nucleotide variant.
Coding change: c.1071A>G on transcript NM_012175.4 (MANE Select); coding-DNA position 1071, A replaced by G.
Protein change: p.Pro357=; no amino-acid change (proline 357 retained).
Molecular consequence: synonymous variant.
Genome position (GRCh38, 1-based): chr11:33,747,298, T>C on the plus strand (A>G on the coding strand, the complement: FBXO3 is on the minus strand). VCF-style: chr11-33747298-T-C. GRCh37 (hg19) VCF-style: chr11-33768844-T-C.
Other names: c.1071A>G, p.Pro357= (NM_033406.4).
Identifiers: ClinVar variation 2641719 (VCV002641719.24), dbSNP rs752650063, ClinGen allele CA5940909.
Genomic context (GRCh38, chr11:33,747,298, plus strand): 5'-TTCCATGTATCCTGATGTTGTAGAGAATGTGGTACAGCTTGTGTATTCATATACCCGACC[T>C]GGGCTGATGATTGGAAATTCACCTGCAGGGAAAACAGTAACAATAAACCAAAGTATAAAA-3'
Protein context (NP_036307.2, residues 347-367): GVVGEFPIIS[Pro357=]GRVYEYTSCT